The following is an entry in ClinVar:

NM_201631.4(TGM5):c.1498C>T (p.Arg500Ter)

Gene: TGM5 (transglutaminase 5; minus strand). Cytogenetic location: 15q15.2.
Variant type: single nucleotide variant.
Coding change: c.1498C>T on transcript NM_201631.4 (MANE Select); coding-DNA position 1498, C replaced by T.
Protein change: p.Arg500Ter; replaces arginine 500 with a stop codon.
Molecular consequence: nonsense.
Genome position (GRCh38, 1-based): chr15:43,235,685, G>A on the plus strand (C>T on the coding strand, the complement: TGM5 is on the minus strand). VCF-style: chr15-43235685-G-A. GRCh37 (hg19) VCF-style: chr15-43527883-G-A.
Other names: c.1252C>T, p.Arg418Ter (NM_004245.4); short protein forms R500*, R418*.
Identifiers: ClinVar variation 4851987 (VCV004851987.1), dbSNP rs144532387.
Genomic context (GRCh38, chr15:43,235,685, plus strand): 5'-CCATGTTGGGCGGGTCGAGCAGCTTGAATTTCAGGGAGACTTGCACCACATCACTGGGTC[G>A]AAGGGAAGGTGTATGCAGGCTCCGAGGGCTGTCCTGGCTCAGTGATGTGGGCCTGGAAGG-3'

ClinVar aggregate classification (germline): Pathogenic (1 of 4 stars; one submission).

Allele frequency attached by ClinVar (database versions not stated): gnomAD 0.00004; ExAC 0.00005; gnomAD exomes 0.00005; TOPMed 0.00005; ESP Exome Variant Server 0.00015; 1000 Genomes Project 0.00020; 1000 Genomes Project 30x 0.00031.

Submission:

Dasa
Classification: Pathogenic. Last evaluated: 2026-01-03. Review status: criteria provided, single submitter. Criteria: DASA Assertion Criteria. Collection method: clinical testing. Allele origin: germline.
Comment: NM_201631.4(TGM5):c.1498C>T (p.Arg500*) introduces a premature termination codon predicted to result in loss of normal protein function. Loss-of-function is an established mechanism of disease for this gene. This variant has been observed in affected individuals with related phenotype in a genotype context consistent with recessive disease (PMID: 25644735). This variant has been reported in individuals with related phenotype (PMID: 25644735). The variant is present at low frequency in population datasets. Based on the available data, this variant is classified as pathogenic.

Literature cited by the submitters: PubMed 25644735.